The following is an entry in ClinVar:

ClinVar aggregate classification (germline): Pathogenic (1 of 4 stars; one submission).

Submission:

Athena Diagnostics
Classification: Pathogenic. Last evaluated: 2021-06-18. Review status: criteria provided, single submitter. Criteria: Athena Diagnostics Criteria. Collection method: clinical testing. Allele origin: unknown.
Comment: A similar deletion involving all of CAPN3 and a portion of a neighboring gene has been identified in two families with limb-girdle muscular dystrophy type 2A (LGMD2A; PMID: 24715573). The frequency of similar variants in the general population is consistent with pathogenicity.

Literature cited by the submitters: PubMed 24715573.

Single allele

Gene: CAPN3 (calpain 3; plus strand). Cytogenetic location: 15q15.1.
Variant type: Deletion.
Identifiers: ClinVar variation 1807238 (VCV001807238.1).